The following is an entry in ClinVar:

ClinVar aggregate classification (germline): Benign. Review status: criteria provided, multiple submitters, no conflicts (2 of 4 stars). 2 submissions from 2 submitters: Benign (2). Last evaluated 2018-01-13.

Conditions:
VPS13A-related neurodegenerative disease. Also called: Choreoacanthocytosis; Chorea-acanthocytosis; LEVINE-CRITCHLEY SYNDROME; Choreaacanthocytosis; ACANTHOCYTOSIS WITH NEUROLOGIC DISORDER; VPS13A Disease. Identifiers: Orphanet 2388, MedGen C0393576, MONDO:0008695, OMIM 200150.

Allele frequency attached by ClinVar (database versions not stated): gnomAD 0.52644 and 0.52916; TOPMed 0.53493; gnomAD exomes 0.55405; 1000 Genomes Project 0.57568; 1000 Genomes Project 30x 0.57714.
gnomAD v4.1: 80,541 of 152,060 alleles (53%); highest among the groups gnomAD compares: East Asian, 66%; 21,544 homozygotes.

Submissions (2):

Illumina Laboratory Services, Illumina
Classification: Benign for VPS13A-related neurodegenerative disease. Last evaluated: 2018-01-13. Review status: criteria provided, single submitter. Criteria: ICSL Variant Classification Criteria 13 December 2019. Collection method: clinical testing. Allele origin: germline.
Comment: This variant was observed in the ICSL laboratory as part of a predisposition screen in an ostensibly healthy population. It had not been previously curated by ICSL or reported in the Human Gene Mutation Database (HGMD: prior to June 1st, 2018), and was therefore a candidate for classification through an automated scoring system. Utilizing variant allele frequency, disease prevalence and penetrance estimates, and inheritance mode, an automated score was calculated to assess if this variant is too frequent to cause the disease. Based on the score and internal cut-off values, a variant classified as benign is not then subjected to further curation. The score for this variant resulted in a classification of benign for this disease.

Breakthrough Genomics
Classification: Benign. Review status: criteria provided, single submitter. Criteria: ACMG Guidelines, 2015. Collection method: not provided. Allele origin: germline. Inheritance: Autosomal recessive inheritance. Affected: yes.

NM_033305.3(VPS13A):c.*1024C>T

Gene: VPS13A (vacuolar protein sorting 13 homolog A; plus strand). Cytogenetic location: 9q21.2.
Variant type: single nucleotide variant.
Coding change: c.*1024C>T on transcript NM_033305.3 (MANE Select); 1024 bases downstream of the stop codon, C replaced by T.
Molecular consequence: 3 prime UTR variant.
Genome position (GRCh38, 1-based): chr9:77,417,030, C>T. VCF-style: chr9-77417030-C-T. GRCh37 (hg19) VCF-style: chr9-80031946-C-T.
Other names: c.*1024C>T (NM_001018037.2).
Identifiers: ClinVar variation 367445 (VCV000367445.6), dbSNP rs9186, ClinGen allele CA10627626.